The following is an entry in ClinVar:

NM_004360.5(CDH1):c.885C>G (p.Thr295=)

Gene: CDH1 (cadherin 1; plus strand). Cytogenetic location: 16q22.1.
Variant type: single nucleotide variant.
Coding change: c.885C>G on transcript NM_004360.5 (MANE Select); coding-DNA position 885, C replaced by G.
Protein change: p.Thr295=; no amino-acid change (threonine 295 retained).
Molecular consequence: synonymous variant. On other transcripts: 5 prime UTR variant (2).
Genome position (GRCh38, 1-based): chr16:68,811,736, C>G. VCF-style: chr16-68811736-C-G. GRCh37 (hg19) VCF-style: chr16-68845639-C-G.
Other names: c.885C>G (NM_004360.3); c.885C>G, p.Thr295= (NM_001317184.2); c.-731C>G (NM_001317185.2); c.-935C>G (NM_001317186.2).
Identifiers: ClinVar variation 1117496 (VCV001117496.11), dbSNP rs1555515612, ClinGen allele CA496152869.

ClinVar aggregate classification (germline): Benign/Likely benign. Review status: criteria provided, multiple submitters, no conflicts (2 of 4 stars). 3 submissions from 3 submitters: Benign (1); Likely benign (2). Last evaluated 2026-01-08.

Conditions:
Hereditary cancer-predisposing syndrome. Also called: Neoplastic Syndromes, Hereditary; Hereditary Cancer Syndrome; Hereditary neoplastic syndrome; Tumor predisposition. Identifiers: Orphanet 140162, MedGen C0027672, MeSH D009386, MONDO:0015356.
Hereditary diffuse gastric adenocarcinoma (HDGC). Also called: DIFFUSE GASTRIC AND LOBULAR BREAST CANCER SYNDROME. Identifiers: Orphanet 26106, MedGen C1708349, MONDO:0007648, OMIM 137215.

Submissions (3):

Labcorp Genetics (formerly Invitae), Labcorp
Classification: Likely benign for Hereditary diffuse gastric adenocarcinoma. Last evaluated: 2026-01-08. Review status: criteria provided, single submitter. Criteria: Invitae Variant Classification Sherloc (09022015). Collection method: clinical testing. Allele origin: germline.

Ambry Genetics
Classification: Likely benign for Hereditary cancer-predisposing syndrome. Last evaluated: 2025-02-05. Review status: criteria provided, single submitter. Criteria: Ambry Variant Classification Scheme 2023. Collection method: clinical testing. Allele origin: germline.

Myriad Genetics, Inc.
Classification: Benign for Hereditary diffuse gastric adenocarcinoma. Last evaluated: 2024-09-16. Review status: criteria provided, single submitter. Criteria: Myriad Autosomal Dominant, Autosomal Recessive and X-Linked Classification Criteria (2023). Collection method: clinical testing. Allele origin: unknown.
Comment: This variant is considered benign. This variant is a silent/synonymous amino acid change and it is not expected to impact splicing.